The following is an entry in ClinVar:

NM_018051.5(DYNC2I1):c.712_715del (p.Glu238fs)

Gene: DYNC2I1 (dynein 2 intermediate chain 1; plus strand). Cytogenetic location: 7q36.3.
Variant type: Microsatellite.
Coding change: c.712_715del on transcript NM_018051.5 (MANE Select); coding-DNA positions 712 to 715, 4 bases deleted (GAGA; older notation c.712_715delGAGA).
Protein change: p.Glu238fs; shifts the reading frame from glutamic acid 238.
Molecular consequence: frameshift variant. On other transcripts: 5 prime UTR variant (3).
Genome position (GRCh38, 1-based): chr7:158,879,822-158,879,825, GAGA deleted; deleting any 4 consecutive bases within chr7:158,879,819-158,879,825 gives the same sequence; the c. name uses the placement nearest the transcript's 3' end. VCF-style (leftmost placement, unchanged base first): chr7-158879818-AAGAG-A. GRCh37 (hg19) VCF-style: chr7-158672509-AAGAG-A.
Other names: c.574_577del, p.Glu192fs (NM_001350914.2); c.195_198del, p.Arg66fs (NM_001350915.2); c.-649GA[1] (NM_001350916.2); c.-657GA[1] (NM_001350917.2); c.-776GA[1] (NM_001350918.2); short protein forms E192fs, E238fs, R66fs.
Identifiers: ClinVar variation 2162517 (VCV002162517.4), dbSNP rs767577574, ClinGen allele CA2579079524.

ClinVar aggregate classification (germline): Pathogenic (1 of 4 stars; one submission).

Conditions:
Short-rib thoracic dysplasia 8 with or without polydactyly (SRTD8). Also called: SHORT-RIB THORACIC DYSPLASIA 8 WITH POLYDACTYLY. Identifiers: Orphanet 93271, MedGen C3809691, MONDO:0014214, OMIM 615503.

Submission:

Labcorp Genetics (formerly Invitae), Labcorp
Classification: Pathogenic for Short-rib thoracic dysplasia 8 with or without polydactyly. Last evaluated: 2022-04-09. Review status: criteria provided, single submitter. Criteria: Invitae Variant Classification Sherloc (09022015). Collection method: clinical testing. Allele origin: germline.
Comment: For these reasons, this variant has been classified as Pathogenic. This variant has not been reported in the literature in individuals affected with WDR60-related conditions. This variant is not present in population databases (gnomAD no frequency). This sequence change creates a premature translational stop signal (p.Glu238Asnfs*79) in the WDR60 gene. It is expected to result in an absent or disrupted protein product. Loss-of-function variants in WDR60 are known to be pathogenic (PMID: 9068549, 23910462).

Literature cited by the submitters: PubMed 9068549; PubMed 23910462.